The following is an entry in ClinVar:

ClinVar aggregate classification (germline): Uncertain significance (1 of 4 stars; one submission).

Conditions:
NIK deficiency. Also called: Primary immunodeficiency with multifaceted aberrant lymphoid immunity. Identifiers: Orphanet 447731, MedGen C5680065, MONDO:0018642.

Submission:

Labcorp Genetics (formerly Invitae), Labcorp
Classification: Uncertain significance for NIK deficiency. Last evaluated: 2021-11-02. Review status: criteria provided, single submitter. Criteria: Invitae Variant Classification Sherloc (09022015). Collection method: clinical testing. Allele origin: germline.
Comment: In summary, the available evidence is currently insufficient to determine the role of this variant in disease. Therefore, it has been classified as a Variant of Uncertain Significance. This variant has not been reported in the literature in individuals affected with MAP3K14-related conditions. This variant is not present in population databases (gnomAD no frequency). This sequence change creates a premature translational stop signal (p.Glu112Argfs*89) in the MAP3K14 gene. It is expected to result in an absent or disrupted protein product. However, the current clinical and genetic evidence is not sufficient to establish whether loss-of-function variants in MAP3K14 cause disease.

NM_003954.5(MAP3K14):c.333del (p.Glu112fs)

Gene: MAP3K14 (mitogen-activated protein kinase kinase kinase 14; minus strand). Cytogenetic location: 17q21.31.
Variant type: Deletion.
Coding change: c.333del on transcript NM_003954.5 (MANE Select); coding-DNA position 333, one base deleted (C; older notation c.333delC).
Protein change: p.Glu112fs; shifts the reading frame from glutamic acid 112.
Molecular consequence: frameshift variant.
Genome position (GRCh38, 1-based): chr17:45,287,358, G deleted on the plus strand (C on the coding strand, the reverse complement: MAP3K14 is on the minus strand); the first of 2 consecutive G bases (chr17:45,287,358-45,287,359); deleting either gives the same sequence. VCF-style (leftmost placement, unchanged base first): chr17-45287357-CG-C. GRCh37 (hg19) VCF-style: chr17-43364723-CG-C.
Other names: short protein forms E112fs.
Identifiers: ClinVar variation 1348829 (VCV001348829.6), dbSNP rs2143822268, ClinGen allele CA2573154117.